The following is an entry in ClinVar:

ClinVar aggregate classification (germline): Uncertain significance (1 of 4 stars; one submission).

Conditions:
Mitochondrial trifunctional protein deficiency. Identifiers: Orphanet 746, MedGen C1969443, MONDO:0012172.

Allele frequency attached by ClinVar (database versions not stated): gnomAD exomes below 0.00001; gnomAD 0.00003; TOPMed 0.00003.
gnomAD v4.1: 6 of 1,598,914 alleles (0.00038%); highest among the groups gnomAD compares: African/African-American, 0.008%; no homozygotes.

Submission:

Labcorp Genetics (formerly Invitae), Labcorp
Classification: Uncertain significance for Mitochondrial trifunctional protein deficiency. Last evaluated: 2022-02-19. Review status: criteria provided, single submitter. Criteria: Invitae Variant Classification Sherloc (09022015). Collection method: clinical testing. Allele origin: germline.
Comment: This sequence change replaces aspartic acid, which is acidic and polar, with tyrosine, which is neutral and polar, at codon 394 of the HADHB protein (p.Asp394Tyr). This variant is present in population databases (no rsID available, gnomAD 0.01%). This variant has not been reported in the literature in individuals affected with HADHB-related conditions. Algorithms developed to predict the effect of missense changes on protein structure and function (SIFT, PolyPhen-2, Align-GVGD) all suggest that this variant is likely to be disruptive. Algorithms developed to predict the effect of sequence changes on RNA splicing suggest that this variant may create or strengthen a splice site. In summary, the available evidence is currently insufficient to determine the role of this variant in disease. Therefore, it has been classified as a Variant of Uncertain Significance.

NM_000183.3(HADHB):c.1180G>T (p.Asp394Tyr)

Gene: HADHB (hydroxyacyl-CoA dehydrogenase trifunctional multienzyme complex subunit beta; plus strand). Cytogenetic location: 2p23.3.
Variant type: single nucleotide variant.
Coding change: c.1180G>T on transcript NM_000183.3 (MANE Select); coding-DNA position 1180, G replaced by T.
Protein change: p.Asp394Tyr; replaces aspartic acid 394 with tyrosine.
Molecular consequence: missense variant.
Genome position (GRCh38, 1-based): chr2:26,284,913, G>T. VCF-style: chr2-26284913-G-T. GRCh37 (hg19) VCF-style: chr2-26507781-G-T.
Other names: c.1135G>T, p.Asp379Tyr (NM_001281512.2); c.1114G>T, p.Asp372Tyr (NM_001281513.2); short protein forms D394Y, D379Y, D372Y.
Identifiers: ClinVar variation 1922156 (VCV001922156.2), dbSNP rs995152890, ClinGen allele CA44342293.